The following is an entry in ClinVar:

ClinVar aggregate classification (germline): Likely benign (0 of 4 stars; one submission).

Conditions:
JAG2-related disorder. Also called: JAG2-related condition.

Allele frequency attached by ClinVar (database versions not stated): gnomAD exomes 0.00003; gnomAD 0.00006; TOPMed 0.00006; ExAC 0.00013; 1000 Genomes Project 30x 0.00031; 1000 Genomes Project 0.00040.
gnomAD v4.1: 57 of 1,610,722 alleles (0.0035%); highest among the groups gnomAD compares: East Asian, 0.085%; 1 homozygote.

Submission:

PreventionGenetics, part of Exact Sciences
Classification: Likely benign for JAG2-related condition. Last evaluated: 2023-04-11. Review status: no assertion criteria provided. Collection method: clinical testing. Allele origin: germline.
Comment: This variant is classified as likely benign based on ACMG/AMP sequence variant interpretation guidelines (Richards et al. 2015 PMID: 25741868, with internal and published modifications).

NM_002226.5(JAG2):c.3636G>A (p.Pro1212=)

Gene: JAG2 (jagged canonical Notch ligand 2; minus strand). Cytogenetic location: 14q32.33.
Variant type: single nucleotide variant.
Coding change: c.3636G>A on transcript NM_002226.5 (MANE Select); coding-DNA position 3636, G replaced by A.
Protein change: p.Pro1212=; no amino-acid change (proline 1212 retained).
Molecular consequence: synonymous variant.
Genome position (GRCh38, 1-based): chr14:105,142,776, C>T on the plus strand (G>A on the coding strand, the complement: JAG2 is on the minus strand). VCF-style: chr14-105142776-C-T. GRCh37 (hg19) VCF-style: chr14-105609113-C-T.
Other names: c.3522G>A, p.Pro1174= (NM_145159.3).
Identifiers: ClinVar variation 3034491 (VCV003034491.2), dbSNP rs3122382, ClinGen allele CA7385128.